The following is an entry in ClinVar:

NM_177400.3(NKX6-2):c.245_246delinsCT (p.Leu82Pro)

Gene: NKX6-2 (NK6 homeobox 2; minus strand). Cytogenetic location: 10q26.3.
Variant type: Indel.
Coding change: c.245_246delinsCT on transcript NM_177400.3 (MANE Select); coding-DNA positions 245 to 246, TC replaced by CT.
Protein change: p.Leu82Pro; replaces leucine 82 with proline.
Molecular consequence: missense variant.
Genome position (GRCh38, 1-based): chr10:132,785,703-132,785,704, GA replaced by AG on the plus strand (TC replaced by CT on the coding strand, the reverse complement: NKX6-2 is on the minus strand). VCF-style: chr10-132785703-GA-AG. GRCh37 (hg19) VCF-style: chr10-134599207-GA-AG.
Other names: short protein forms L82P.
Identifiers: ClinVar variation 2177929 (VCV002177929.4), dbSNP rs2493481528, ClinGen allele CA2580082463.

ClinVar aggregate classification (germline): Uncertain significance (1 of 4 stars; one submission).

Submission:

Labcorp Genetics (formerly Invitae), Labcorp
Classification: Uncertain significance. Last evaluated: 2022-02-27. Review status: criteria provided, single submitter. Criteria: Invitae Variant Classification Sherloc (09022015). Collection method: clinical testing. Allele origin: germline.
Comment: In summary, the available evidence is currently insufficient to determine the role of this variant in disease. Therefore, it has been classified as a Variant of Uncertain Significance. Algorithms developed to predict the effect of missense changes on protein structure and function are either unavailable or do not agree on the potential impact of this missense change (SIFT: "Not Available"; PolyPhen-2: "Possibly Damaging"; Align-GVGD: "Not Available"). This variant has not been reported in the literature in individuals affected with NKX6-2-related conditions. Information on the frequency of this variant in the gnomAD database is not available, as this variant may be reported differently in the database. This sequence change replaces leucine, which is neutral and non-polar, with proline, which is neutral and non-polar, at codon 82 of the NKX6-2 protein (p.Leu82Pro).